The following is an entry in ClinVar:

NM_014283.5(SUCO):c.2777A>C (p.Glu926Ala)

Gene: SUCO (SUN domain containing ossification factor; plus strand). Cytogenetic location: 1q24.3.
Variant type: single nucleotide variant.
Coding change: c.2777A>C on transcript NM_014283.5 (MANE Select); coding-DNA position 2777, A replaced by C.
Protein change: p.Glu926Ala; replaces glutamic acid 926 with alanine.
Molecular consequence: missense variant. On other transcripts: intron variant (1).
Genome position (GRCh38, 1-based): chr1:172,589,878, A>C. VCF-style: chr1-172589878-A-C. GRCh37 (hg19) VCF-style: chr1-172559018-A-C.
Other names: c.1088A>C, p.Glu363Ala (NM_001282751.2); c.3230A>C, p.Glu1077Ala (NM_016227.4); c.1712+954A>C (NM_001282750.2); short protein forms E363A, E1077A, E926A.
Identifiers: ClinVar variation 3707106 (VCV003707106.2).

ClinVar aggregate classification (germline): Uncertain significance (1 of 4 stars; one submission).

Submission:

Labcorp Genetics (formerly Invitae), Labcorp
Classification: Uncertain significance. Last evaluated: 2025-06-23. Review status: criteria provided, single submitter. Criteria: Invitae Variant Classification Sherloc (09022015). Collection method: clinical testing. Allele origin: germline.
Comment: This sequence change replaces glutamic acid, which is acidic and polar, with alanine, which is neutral and non-polar, at codon 926 of the SUCO protein (p.Glu926Ala). This variant is not present in population databases (gnomAD no frequency). This variant has not been reported in the literature in individuals affected with SUCO-related conditions. ClinVar contains an entry for this variant (Variation ID: 3707106). An algorithm developed to predict the effect of missense changes on protein structure and function (PolyPhen-2) suggests that this variant is likely to be disruptive. In summary, the available evidence is currently insufficient to determine the role of this variant in disease. Therefore, it has been classified as a Variant of Uncertain Significance.